The following is an entry in ClinVar:

NM_017636.4(TRPM4):c.1380G>T (p.Leu460=)

Gene: TRPM4 (transient receptor potential cation channel subfamily M member 4; plus strand). Cytogenetic location: 19q13.33.
Variant type: single nucleotide variant.
Coding change: c.1380G>T on transcript NM_017636.4 (MANE Select); coding-DNA position 1380, G replaced by T.
Protein change: p.Leu460=; no amino-acid change (leucine 460 retained).
Molecular consequence: synonymous variant. On other transcripts: 5 prime UTR variant (1).
Genome position (GRCh38, 1-based): chr19:49,182,694, G>T. VCF-style: chr19-49182694-G-T. GRCh37 (hg19) VCF-style: chr19-49685951-G-T.
Other names: c.1380G>T, p.Leu460= (NM_001195227.2); c.1035G>T, p.Leu345= (NM_001321281.2); c.-174G>T (NM_001321282.2); c.858G>T, p.Leu286= (NM_001321283.2); c.318G>T, p.Leu106= (NM_001321285.2).
Identifiers: ClinVar variation 1189945 (VCV001189945.11), dbSNP rs145755269, ClinGen allele CA9569185.

ClinVar aggregate classification (germline): Conflicting classifications of pathogenicity. Review status: criteria provided, conflicting classifications (1 of 4 stars). 3 submissions from 3 submitters: Uncertain significance (1); Likely benign (2). Last evaluated 2025-06-24.

Conditions:
Cardiovascular phenotype. Identifiers: MedGen CN230736.
Progressive familial heart block type IB (PFHB1B). Identifiers: Orphanet 871, MedGen C1970298, MONDO:0011474, OMIM 604559.

gnomAD v4.1: 27 of 1,614,030 alleles (0.0017%); highest among the groups gnomAD compares: Non-Finnish European, 0.0022%; no homozygotes.

Submissions (3):

Labcorp Genetics (formerly Invitae), Labcorp
Classification: Likely benign for Progressive familial heart block type IB. Last evaluated: 2025-06-24. Review status: criteria provided, single submitter. Criteria: Invitae Variant Classification Sherloc (09022015). Collection method: clinical testing. Allele origin: germline.

Ambry Genetics
Classification: Uncertain significance for Cardiovascular phenotype. Last evaluated: 2024-06-20. Review status: criteria provided, single submitter. Criteria: Ambry Variant Classification Scheme 2023. Collection method: clinical testing. Allele origin: germline.
Comment: The c.1380G>T variant (also known as p.L460L), located in coding exon 11 of the TRPM4 gene, results from a G to T substitution at nucleotide position 1380. This nucleotide substitution does not change the leucine at codon 460. This nucleotide position is well conserved in available vertebrate species. In silico splice site analysis for this alteration is inconclusive. Based on the available evidence, the clinical significance of this variant remains unclear.

GeneDx
Classification: Likely benign. Last evaluated: 2021-01-28. Review status: criteria provided, single submitter. Criteria: GeneDx Variant Classification Process June 2021. Collection method: clinical testing. Allele origin: germline. Affected: yes.